The following is an entry in ClinVar:

ClinVar aggregate classification (germline): Uncertain significance (1 of 4 stars; one submission).

Conditions:
Hereditary sensory and autonomic neuropathy type 6. Also called: HSAN VI; Neuropathy, hereditary sensory and autonomic, type VI. Identifiers: Orphanet 314381, MedGen C3539003, MONDO:0013839, OMIM 614653.
Epidermolysis bullosa simplex 3, localized or generalized intermediate, with BP230 deficiency (EBS3). Also called: Epidermolysis bullosa simplex, autosomal recessive 2; Epidermolysis bullosa simplex due to BP230 deficiency. Identifiers: Orphanet 412181, MedGen C3809470, MONDO:0014180, OMIM 615425.

Allele frequency attached by ClinVar (database versions not stated): gnomAD exomes below 0.00001 and 0.00001; TOPMed below 0.00001; ESP Exome Variant Server 0.00008.
gnomAD v4.1: 13 of 1,614,078 alleles (0.00081%); highest among the groups gnomAD compares: African/African-American, 0.0013%; no homozygotes.

Submission:

Labcorp Genetics (formerly Invitae), Labcorp
Classification: Uncertain significance for Epidermolysis bullosa simplex 3, localized or generalized intermediate, with BP230 deficiency; Hereditary sensory and autonomic neuropathy type 6. Last evaluated: 2017-09-20. Review status: criteria provided, single submitter. Criteria: Invitae Variant Classification Sherloc (09022015). Collection method: clinical testing. Allele origin: germline.
Comment: In summary, the available evidence is currently insufficient to determine the role of this variant in disease. Therefore, it has been classified as a Variant of Uncertain Significance. This sequence change replaces leucine with proline at codon 2645 of the DST protein (p.Leu2645Pro). The leucine residue is weakly conserved and there is a moderate physicochemical difference between leucine and proline. This variant is not present in population databases (ExAC no frequency). This variant has not been reported in the literature in individuals with DST-related disease. Algorithms developed to predict the effect of missense changes on protein structure and function (SIFT, PolyPhen-2, Align-GVGD) all suggest that this variant is likely to be disruptive, but these predictions have not been confirmed by published functional studies and their clinical significance is uncertain.

NM_001723.7(DST):c.7934T>C (p.Leu2645Pro)

Gene: DST (dystonin; minus strand). Cytogenetic location: 6p12.1.
Variant type: single nucleotide variant.
Coding change: c.7934T>C on transcript NM_001723.7 (MANE Plus Clinical); coding-DNA position 7934, T replaced by C.
Protein change: p.Leu2645Pro; replaces leucine 2645 with proline.
Molecular consequence: missense variant. On other transcripts: intron variant (10).
Genome position (GRCh38, 1-based): chr6:56,615,533, A>G on the plus strand (T>C on the coding strand, the complement: DST is on the minus strand). VCF-style: chr6-56615533-A-G. GRCh37 (hg19) VCF-style: chr6-56480331-A-G.
Other names: c.4831-1049T>C (NM_001144769.5); c.4930-1049T>C (NM_001374722.1, NM_001374736.1); c.4957-1049T>C (NM_001374734.1); c.4417-1049T>C (NM_001144770.2); c.4297-1049T>C (NM_001374730.1, NM_001386100.1, NM_183380.4 and 1 more transcripts); c.3319-1049T>C (NM_015548.5); short protein forms L2645P.
Identifiers: ClinVar variation 541437 (VCV000541437.9), dbSNP rs374732834, ClinGen allele CA139204878.